The following is an entry in ClinVar:

ClinVar aggregate classification (germline): Uncertain significance (1 of 4 stars; one submission).

Conditions:
DPAGT1-congenital disorder of glycosylation. Also called: CONGENITAL DISORDER OF GLYCOSYLATION, TYPE Ij; DPAGT1-CDG; CDG Ij. Identifiers: Orphanet 86309, MedGen C2931004, MONDO:0011964, OMIM 608093.
Congenital myasthenic syndrome 13 (CMS13). Also called: Myasthenic syndrome, congenital, 13, with tubular aggregates; Myasthenic syndrome, congenital, with tubular aggregates 2. Identifiers: Orphanet 353327, Orphanet 590, MedGen C3553645, MONDO:0013883, OMIM 614750.

Allele frequency attached by ClinVar (database versions not stated): gnomAD exomes below 0.00001.
gnomAD v4.1: 4 of 1,614,230 alleles (0.00025%); highest among the groups gnomAD compares: South Asian, 0.0022%; no homozygotes.

Submission:

Labcorp Genetics (formerly Invitae), Labcorp
Classification: Uncertain significance for Congenital myasthenic syndrome 13; DPAGT1-congenital disorder of glycosylation. Last evaluated: 2021-07-21. Review status: criteria provided, single submitter. Criteria: Invitae Variant Classification Sherloc (09022015). Collection method: clinical testing. Allele origin: germline.
Comment: This sequence change replaces glutamic acid with lysine at codon 351 of the DPAGT1 protein (p.Glu351Lys). The glutamic acid residue is moderately conserved and there is a small physicochemical difference between glutamic acid and lysine. This variant is not present in population databases (ExAC no frequency). This variant has not been reported in the literature in individuals with DPAGT1-related conditions. Algorithms developed to predict the effect of missense changes on protein structure and function (SIFT, PolyPhen-2, Align-GVGD) all suggest that this variant is likely to be tolerated, but these predictions have not been confirmed by published functional studies and their clinical significance is uncertain. In summary, the available evidence is currently insufficient to determine the role of this variant in disease. Therefore, it has been classified as a Variant of Uncertain Significance.

NM_001382.4(DPAGT1):c.1051G>A (p.Glu351Lys)

Gene: DPAGT1 (dolichyl-phosphate N-acetylglucosaminephosphotransferase 1; minus strand). Cytogenetic location: 11q23.3.
Variant type: single nucleotide variant.
Coding change: c.1051G>A on transcript NM_001382.4 (MANE Select); coding-DNA position 1051, G replaced by A.
Protein change: p.Glu351Lys; replaces glutamic acid 351 with lysine.
Molecular consequence: missense variant.
Genome position (GRCh38, 1-based): chr11:119,097,252, C>T on the plus strand (G>A on the coding strand, the complement: DPAGT1 is on the minus strand). VCF-style: chr11-119097252-C-T. GRCh37 (hg19) VCF-style: chr11-118967962-C-T.
Other names: short protein forms E351K.
Identifiers: ClinVar variation 1472081 (VCV001472081.8), dbSNP rs1475939080, ClinGen allele CA382908721.